The following is an entry in ClinVar:

NM_000179.3(MSH6):c.325C>T (p.Leu109=)

Gene: MSH6 (mutS homolog 6; plus strand). Cytogenetic location: 2p16.3.
Variant type: single nucleotide variant.
Coding change: c.325C>T on transcript NM_000179.3 (MANE Select); coding-DNA position 325, C replaced by T.
Protein change: p.Leu109=; no amino-acid change (leucine 109 retained).
Molecular consequence: synonymous variant. On other transcripts: 5 prime UTR variant (2), intron variant (1).
Genome position (GRCh38, 1-based): chr2:47,790,991, C>T. VCF-style: chr2-47790991-C-T. GRCh37 (hg19) VCF-style: chr2-48018130-C-T.
Other names: c.-412C>T (NM_001281493.2); c.-578C>T (NM_001281494.2); c.237+7521C>T (NM_001281492.2).
Identifiers: ClinVar variation 629269 (VCV000629269.18), dbSNP rs1064793870, ClinGen allele CA425989366.

ClinVar aggregate classification (germline): Conflicting classifications of pathogenicity. Review status: criteria provided, conflicting classifications (1 of 4 stars). 6 submissions from 6 submitters: Uncertain significance (1); Benign (1); Likely benign (4). Last evaluated 2025-09-15.

Conditions:
Hereditary cancer-predisposing syndrome. Also called: Neoplastic Syndromes, Hereditary; Tumor predisposition; Hereditary neoplastic syndrome; Hereditary Cancer Syndrome. Identifiers: Orphanet 140162, MedGen C0027672, MeSH D009386, MONDO:0015356.
Lynch syndrome. Identifiers: Orphanet 144, MedGen C4552100, MONDO:0005835. Disease mechanism: loss of function.
Hereditary nonpolyposis colorectal neoplasms. Identifiers: MedGen C0009405, MeSH D003123.
Lynch syndrome 5 (LYNCH5). Also called: Colorectal cancer, hereditary nonpolyposis, type 5; Hereditary non-polyposis colorectal cancer, type 5. Identifiers: Orphanet 144, MedGen C1833477, MONDO:0013710, OMIM 614350. Disease mechanism: loss of function.

Allele frequency attached by ClinVar (database versions not stated): gnomAD exomes below 0.00001.
gnomAD v4.1: 1 of 1,614,198 alleles (0.000062%); highest among the groups gnomAD compares: Non-Finnish European, 0.000085%; no homozygotes.

Submissions (6):

Quest Diagnostics Nichols Institute San Juan Capistrano
Classification: Uncertain significance. Last evaluated: 2025-09-15. Review status: criteria provided, single submitter. Criteria: Quest Diagnostics criteria. Collection method: clinical testing. Allele origin: unknown.
Comment: The MSH6 c.325C>T (p.Leu109=) synonymous variant has not been reported in individuals with MSH6-related conditions in the published literature. This variant has not been reported in large, multi-ethnic general populations (Genome Aggregation Database). Analysis of this variant using software algorithms for the prediction of the effect of nucleotide changes on splicing yielded predictions that this variant does not affect MSH6 mRNA splicing. Based on the available information, we are unable to determine the clinical significance of this variant.

Myriad Genetics, Inc.
Classification: Benign for Lynch syndrome 5. Last evaluated: 2024-12-18. Review status: criteria provided, single submitter. Criteria: Myriad Autosomal Dominant, Autosomal Recessive and X-Linked Classification Criteria (2023). Collection method: clinical testing. Allele origin: unknown.
Comment: This variant is considered benign. This variant is a silent/synonymous amino acid change and it is not expected to impact splicing.

All of Us Research Program, National Institutes of Health
Classification: Likely benign for Lynch syndrome. Last evaluated: 2024-03-24. Review status: criteria provided, single submitter. Criteria: ACMG Guidelines, 2015. Collection method: clinical testing. Allele origin: germline. Inheritance: Autosomal dominant inheritance. Observed: 1 variant allele, 1 heterozygote.
Comment: This study involves interpretation of variants in research participants for the purpose of population health screening. Participant phenotype was not available at the time of variant classification. Additional details can be found in publication PMID: 35346344, PMCID: PMC8962531

Labcorp Genetics (formerly Invitae), Labcorp
Classification: Likely benign for Hereditary nonpolyposis colorectal neoplasms. Last evaluated: 2023-11-04. Review status: criteria provided, single submitter. Criteria: Invitae Variant Classification Sherloc (09022015). Collection method: clinical testing. Allele origin: germline.

Ambry Genetics
Classification: Likely benign for Hereditary cancer-predisposing syndrome. Last evaluated: 2019-12-21. Review status: criteria provided, single submitter. Criteria: Ambry Variant Classification Scheme 2023. Collection method: clinical testing. Allele origin: germline.

Color Diagnostics, LLC DBA Color Health
Classification: Likely benign for Hereditary cancer-predisposing syndrome. Last evaluated: 2018-09-25. Review status: criteria provided, single submitter. Criteria: ACMG Guidelines, 2015. Collection method: clinical testing. Allele origin: germline.